The following is an entry in ClinVar:

Conditions:
Breast-ovarian cancer, familial, susceptibility to, 1 (BROVCA1). Also called: BRCA1 Hereditary Breast and Ovarian Cancer; OVARIAN CANCER, SUSCEPTIBILITY TO. Identifiers: Orphanet 145, MedGen C2676676, MONDO:0011450, OMIM 604370. Disease mechanism: loss of function.

Submission:

Brotman Baty Institute, University of Washington
No classification provided (evidence only). Condition: Breast-ovarian cancer, familial 1. Review status: no classification provided. Collection method: in vitro. Allele origin: not applicable. Functional consequence: function_uncertain_variant.
ClinVar note: "not provided" was previously submitted as the classification for the variant. However, the classification appeared to be based only on an observation of functional data so it was converted to no classification on 2025-07-30.

NM_007294.4(BRCA1):c.5407-3C>A

Gene: BRCA1 (BRCA1 DNA repair associated; minus strand). Cytogenetic location: 17q21.31.
Variant type: single nucleotide variant.
Coding change: c.5407-3C>A on transcript NM_007294.4 (MANE Select); 3 bases into the intron before coding-DNA position 5407, C replaced by A.
Molecular consequence: intron variant.
Genome position (GRCh38, 1-based): chr17:43,047,706, G>T on the plus strand (C>A on the coding strand, the complement: BRCA1 is on the minus strand). VCF-style: chr17-43047706-G-T. GRCh37 (hg19) VCF-style: chr17-41199723-G-T.
Other names: c.5071-3C>A (NM_001407950.1, NM_001407953.1, NM_001407955.1 and 3 more transcripts); c.5074-3C>A (NM_001407948.1, NM_001407947.1, NM_001407949.1 and 1 more transcripts); c.1885-3C>A (NM_001408484.1, NM_001408485.1, NM_001408483.1 and 5 more transcripts); c.1888-3C>A (NM_001408478.1, NM_001408480.1, NM_001408479.1); c.5194-3C>A (NM_001407907.1, NM_001407902.1, NM_001407897.1 and 12 more transcripts); c.5197-3C>A (NM_001407879.1, NM_001407882.1, NM_001407885.1 and 5 more transcripts); c.1969-3C>A (NM_001408450.1, NM_001408447.1, NM_001408446.1 and 2 more transcripts); c.1972-3C>A (NM_001408434.1, NM_001408440.1, NM_001408433.1 and 10 more transcripts); and 83 more.
Identifiers: ClinVar variation 865741 (VCV000865741.3), dbSNP rs2050996293, ClinGen allele CA916080776.